The following is an entry in ClinVar:

ClinVar aggregate classification (germline): Uncertain significance. Review status: reviewed by expert panel (3 of 4 stars). 2 submissions from 2 submitters: Uncertain significance (1). 1 of the submissions does not count toward it. Last evaluated 2026-03-17.

Conditions:
Glanzmann thrombasthenia. Also called: THROMBASTHENIA OF GLANZMANN AND NAEGELI; PLATELET GLYCOPROTEIN IIb-IIIa DEFICIENCY; Thrombasthenia; Glanzmann's thrombasthenia. Identifiers: Orphanet 849, MedGen C0040015, MONDO:0100326.

Allele frequency attached by ClinVar (database versions not stated): ExAC 0.00001; gnomAD 0.00001; 1000 Genomes Project 30x 0.00016; 1000 Genomes Project 0.00020.
gnomAD v4.1: 7 of 1,613,996 alleles (0.00043%); highest among the groups gnomAD compares: South Asian, 0.0011%; no homozygotes.

Submissions (2):

ClinGen Platelet Disorders Variant Curation Expert Panel, ClinGen
Classification: Uncertain significance for Glanzmann thrombasthenia. Last evaluated: 2026-03-17. Review status: reviewed by expert panel. Criteria: ClinGen Platelet ACMG Specifications v2-1. Collection method: curation. Allele origin: germline. Inheritance: Autosomal recessive inheritance.
Comment: The NM_000212.3(ITGB3):c.538G>A (p.Gly180Arg) missense variant has been reported in two patients (Patient 5 in PMID: 31029159 and Case No. 11 in 40941697) with a diagnosis of Glanzmann thrombasthenia but insufficient information was available to determine if the phenotype is highly specific to GT. At least one homozygous patient (Case No. 11 in PMID: 40941697) has been reported (PM3_supporting). It has a REVEL score of 0.958, which is above the ClinGen PD VCEP threshold of >0.7 and predicts a damaging effect on function (PP3). The highest population minor allele frequency in gnomAD v4.1 is 0.00001098 (1/91046 alleles) in the South Asian genetic ancestry group, which is lower than the ClinGen PD VCEP threshold (<0.0001; PM2_Supporting). In summary, this variant meets the criteria to be classified as uncertain significance for autosomal recessive Glanzmann Thrombasthenia based on the ACMG/AMP criteria applied, as specified by the ClinGen PD VCEP: PM2_supporting, PM3_supporting, PP3 (VCEP specifications version 2.1).

Women's Health and Genetics/Laboratory Corporation of America, LabCorp
Classification: Uncertain significance. Last evaluated: 2025-05-28. Review status: criteria provided, single submitter. Criteria: LabCorp Variant Classification Summary - May 2015. Collection method: clinical testing. Allele origin: germline. Not counted in ClinVar's aggregate classification.
Comment: Variant summary: ITGB3 c.538G>A (p.Gly180Arg) results in a non-conservative amino acid change in the encoded protein sequence. Algorithms developed to predict the effect of missense changes on protein structure and function all suggest that this variant is likely to be disruptive. The variant allele was found at a frequency of 1.2e-05 in 251462 control chromosomes. The available data on variant occurrences in the general population are insufficient to allow any conclusion about variant significance. c.538G>A has been observed in at least one compound heterozygous individual affected with Glanzmann Thrombasthenia 2 (e.g. Zafarghandi Motlagh_2019). These report(s) do not provide unequivocal conclusions about association of the variant with Glanzmann Thrombasthenia 2. To our knowledge, no experimental evidence demonstrating an impact on protein function has been reported. The following publication has been ascertained in the context of this evaluation (PMID: 31029159). ClinVar contains an entry for this variant (Variation ID: 2498370). Based on the evidence outlined above, the variant was classified as uncertain significance.

Literature cited by the submitters: PubMed 31029159 (cited by Women's Health and Genetics/Laboratory Corporation of America, LabCorp).

NM_000212.3(ITGB3):c.538G>A (p.Gly180Arg)

Gene: ITGB3 (integrin subunit beta 3; plus strand). Cytogenetic location: 17q21.32.
Variant type: single nucleotide variant.
Coding change: c.538G>A on transcript NM_000212.3 (MANE Select); coding-DNA position 538, G replaced by A.
Protein change: p.Gly180Arg; replaces glycine 180 with arginine.
Molecular consequence: missense variant.
Genome position (GRCh38, 1-based): chr17:47,284,619, G>A. VCF-style: chr17-47284619-G-A. GRCh37 (hg19) VCF-style: chr17-45361985-G-A.
Other names: NM_000212.3:c.538G>A; short protein forms G180R.
Identifiers: ClinVar variation 2498370 (VCV002498370.4), dbSNP rs569479486, ClinGen allele CA8622972.